The following is an entry in ClinVar:

NM_080680.3(COL11A2):c.4732C>T (p.His1578Tyr)

Gene: COL11A2 (collagen type XI alpha 2 chain; minus strand). Cytogenetic location: 6p21.32.
Variant type: single nucleotide variant.
Coding change: c.4732C>T on transcript NM_080680.3 (MANE Select); coding-DNA position 4732, C replaced by T.
Protein change: p.His1578Tyr; replaces histidine 1578 with tyrosine.
Molecular consequence: missense variant.
Genome position (GRCh38, 1-based): chr6:33,165,567, G>A on the plus strand (C>T on the coding strand, the complement: COL11A2 is on the minus strand). VCF-style: chr6-33165567-G-A. GRCh37 (hg19) VCF-style: chr6-33133344-G-A.
Other names: c.4552C>T, p.His1518Tyr (NM_001424108.1); c.3886C>T, p.His1296Tyr (NM_001424109.1); c.3706C>T, p.His1236Tyr (NM_001424110.1, NM_001424111.1); c.2686C>T, p.His896Tyr (NM_001424112.1); c.4411C>T, p.His1471Tyr (NM_080679.3); c.4474C>T, p.His1492Tyr (NM_080681.3); short protein forms H896Y, H1236Y, H1492Y, H1518Y, H1471Y, H1578Y, H1296Y.
Identifiers: ClinVar variation 3635239 (VCV003635239.2).
Genomic context (GRCh38, chr6:33,165,567, plus strand): 5'-GCTGTTGGGGAGATGTTTGTGCACCCTGAGGCTAGCACTGACCATCGGGAAGCTCTGGGT[G>A]GCACAGCTTCAGGTCCTGGCAGGTGCGAGCAGGGCTGTCCTGGGTCCCTGTTGGCCGCCT-3'
Protein context (NP_542411.2, residues 1568-1588): ARTCQDLKLC[His1578Tyr]PELPDGEYWV

ClinVar aggregate classification (germline): Uncertain significance (1 of 4 stars; one submission).

Submission:

Labcorp Genetics (formerly Invitae), Labcorp
Classification: Uncertain significance. Last evaluated: 2025-01-03. Review status: criteria provided, single submitter. Criteria: Invitae Variant Classification Sherloc (09022015). Collection method: clinical testing. Allele origin: germline.
Comment: This sequence change replaces histidine, which is basic and polar, with tyrosine, which is neutral and polar, at codon 1578 of the COL11A2 protein (p.His1578Tyr). This variant is not present in population databases (gnomAD no frequency). This variant has not been reported in the literature in individuals affected with COL11A2-related conditions. Invitae Evidence Modeling of protein sequence and biophysical properties (such as structural, functional, and spatial information, amino acid conservation, physicochemical variation, residue mobility, and thermodynamic stability) indicates that this missense variant is not expected to disrupt COL11A2 protein function with a negative predictive value of 95%. In summary, the available evidence is currently insufficient to determine the role of this variant in disease. Therefore, it has been classified as a Variant of Uncertain Significance.